The following is an entry in ClinVar:

ClinVar aggregate classification (germline): Uncertain significance (1 of 4 stars; one submission).

Conditions:
Nemaline myopathy 2 (NEM2). Also called: Nemaline myopathy 2, autosomal recessive. Identifiers: MedGen C1850569, MONDO:0009725, OMIM 256030.

Allele frequency attached by ClinVar (database versions not stated): gnomAD exomes below 0.00001; ExAC 0.00001.
gnomAD v4.1: 2 of 1,602,552 alleles (0.00012%); highest among the groups gnomAD compares: South Asian, 0.0022%; no homozygotes.

Submission:

Labcorp Genetics (formerly Invitae), Labcorp
Classification: Uncertain significance for Nemaline myopathy 2. Last evaluated: 2024-10-29. Review status: criteria provided, single submitter. Criteria: Invitae Variant Classification Sherloc (09022015). Collection method: clinical testing. Allele origin: germline.
Comment: This sequence change replaces isoleucine, which is neutral and non-polar, with valine, which is neutral and non-polar, at codon 7783 of the NEB protein (p.Ile7783Val). This variant is present in population databases (rs767590150, gnomAD 0.003%). This variant has not been reported in the literature in individuals affected with NEB-related conditions. ClinVar contains an entry for this variant (Variation ID: 1522979). An algorithm developed to predict the effect of missense changes on protein structure and function outputs the following: PolyPhen-2: "Not Available". The valine amino acid residue is found in multiple mammalian species, which suggests that this missense change does not adversely affect protein function. In summary, the available evidence is currently insufficient to determine the role of this variant in disease. Therefore, it has been classified as a Variant of Uncertain Significance.

NM_001164508.2(NEB):c.23242A>G (p.Ile7748Val)

Genes: RIF1 (replication timing regulatory factor 1; plus strand), NEB (nebulin; minus strand). Cytogenetic location: 2q23.3.
Variant type: single nucleotide variant.
Coding change: c.23242A>G on transcript NM_001164508.2 (MANE Select); coding-DNA position 23242, A replaced by G.
Protein change: p.Ile7748Val; replaces isoleucine 7748 with valine.
Molecular consequence: missense variant.
Genome position (GRCh38, 1-based): chr2:151,512,837, T>C on the plus strand (A>G on the coding strand, the complement: NEB is on the minus strand). VCF-style: chr2-151512837-T-C. GRCh37 (hg19) VCF-style: chr2-152369351-T-C.
Other names: c.23242A>G, p.Ile7748Val (NM_001164507.2); c.23347A>G, p.Ile7783Val (NM_001271208.2); c.18139A>G, p.Ile6047Val (NM_004543.5); short protein forms I7748V, I7783V, I6047V.
Identifiers: ClinVar variation 1522979 (VCV001522979.8), dbSNP rs767590150, ClinGen allele CA1906399.